The following is an entry in ClinVar:

ClinVar aggregate classification (germline): Uncertain significance. Review status: criteria provided, multiple submitters, no conflicts (2 of 4 stars). 5 submissions from 5 submitters: Uncertain significance (5). Last evaluated 2026-04-25.

Conditions:
STIM1-related disorder. Also called: STIM1-related condition.
Stormorken syndrome (STRMK). Also called: THROMBOCYTOPATHY, ASPLENIA, AND MIOSIS. Identifiers: Orphanet 3204, MedGen C1861451, MONDO:0008497, OMIM 185070.
Myopathy with tubular aggregates (TAM). Also called: Tubular Aggregate Myopathy. Identifiers: Orphanet 2593, MedGen C0410207, MONDO:0008051.
Combined immunodeficiency due to STIM1 deficiency. Also called: STIM1 DEFICIENCY; IMMUNODEFICIENCY 10. Identifiers: Orphanet 169090, Orphanet 317430, MedGen C2748557, MONDO:0013008, OMIM 612783.

Allele frequency attached by ClinVar (database versions not stated): ExAC 0.00002; TOPMed 0.00006; gnomAD 0.00007; gnomAD exomes 0.00007 and 0.00019; ESP Exome Variant Server 0.00015.
gnomAD v4.1: 279 of 1,584,540 alleles (0.018%); highest among the groups gnomAD compares: Non-Finnish European, 0.023%; no homozygotes.

Submissions (5):

PreventionGenetics, part of Exact Sciences
Classification: Uncertain significance for STIM1-related condition. Last evaluated: 2026-04-25. Review status: criteria provided, single submitter. Criteria: ACMG Guidelines, 2015. Collection method: clinical testing. Allele origin: germline.
Comment: The STIM1 c.488C>A variant is predicted to result in the amino acid substitution p.Ala163Asp. To our knowledge, this variant has not been reported in the literature. This variant is reported in 0.014% of alleles in individuals of European (Non-Finnish) descent in gnomAD. At this time, the clinical significance of this variant is uncertain due to the absence of conclusive functional and genetic evidence.

GeneDx
Classification: Uncertain significance. Last evaluated: 2026-04-21. Review status: criteria provided, single submitter. Criteria: GeneDx Variant Classification Process June 2021. Collection method: clinical testing. Allele origin: germline.
Comment: Reported in a cohort of patients who underwent evaluation for mitochondrial disease, however individual clinical information was not provided (PMID: 32980267); In silico analysis supports that this missense variant has a deleterious effect on protein structure/function; This variant is associated with the following publications: (PMID: 32980267)

Labcorp Genetics (formerly Invitae), Labcorp
Classification: Uncertain significance for Myopathy with tubular aggregates; Combined immunodeficiency due to STIM1 deficiency; Stormorken syndrome. Last evaluated: 2026-01-12. Review status: criteria provided, single submitter. Criteria: Invitae Variant Classification Sherloc (09022015). Collection method: clinical testing. Allele origin: germline.
Comment: This sequence change replaces alanine, which is neutral and non-polar, with aspartic acid, which is acidic and polar, at codon 163 of the STIM1 protein (p.Ala163Asp). This variant is present in population databases (rs199893056, gnomAD 0.01%). This variant has not been reported in the literature in individuals affected with STIM1-related conditions. ClinVar contains an entry for this variant (Variation ID: 461735). Invitae Evidence Modeling of protein sequence and biophysical properties (such as structural, functional, and spatial information, amino acid conservation, physicochemical variation, residue mobility, and thermodynamic stability) has been performed for this missense variant. However, the output from this modeling did not meet the statistical confidence thresholds required to predict the impact of this variant on STIM1 protein function. In summary, the available evidence is currently insufficient to determine the role of this variant in disease. Therefore, it has been classified as a Variant of Uncertain Significance.

Mayo Clinic Laboratories, Mayo Clinic
Classification: Uncertain significance. Last evaluated: 2023-03-17. Review status: criteria provided, single submitter. Criteria: ACMG Guidelines, 2015. Collection method: clinical testing. Allele origin: germline. Observed: 1 variant allele.

CeGaT Center for Human Genetics Tuebingen
Classification: Uncertain significance. Last evaluated: 2017-11-01. Review status: criteria provided, single submitter. Criteria: CeGaT Center For Human Genetics Tuebingen Variant Classification Criteria Version 2. Collection method: clinical testing. Allele origin: germline. Affected: yes. Observed: 1 variant allele.

NM_001382567.1(STIM1):c.488C>A (p.Ala163Asp)

Gene: STIM1 (stromal interaction molecule 1; plus strand). Cytogenetic location: 11p15.4.
Variant type: single nucleotide variant.
Coding change: c.488C>A on transcript NM_001382567.1 (MANE Select); coding-DNA position 488, C replaced by A.
Protein change: p.Ala163Asp; replaces alanine 163 with aspartic acid.
Molecular consequence: missense variant. On other transcripts: 5 prime UTR variant (2), non-coding transcript variant (3), intron variant (2).
Genome position (GRCh38, 1-based): chr11:4,055,628, C>A. VCF-style: chr11-4055628-C-A. GRCh37 (hg19) VCF-style: chr11-4076858-C-A.
Other names: p.Ala163Asp; c.488C>A, p.Ala163Asp (NM_001277961.3, NM_001277962.2, NM_001382568.1 and 2 more transcripts); c.266C>A, p.Ala89Asp (NM_001382566.1, NM_001382573.1, NM_001382574.1 and 5 more transcripts); c.-2C>A (NM_001382581.1, NM_001382580.1); c.386-14398C>A (NM_001382570.1); c.18-3653C>A (NM_001382571.1); c.353C>A, p.Ala118Asp (NM_001382569.1); short protein forms A163D, A118D, A89D.
Identifiers: ClinVar variation 461735 (VCV000461735.55), dbSNP rs199893056, ClinGen allele CA5830228.